The following is an entry in ClinVar:

ClinVar aggregate classification (germline): Uncertain significance. Review status: criteria provided, multiple submitters, no conflicts (2 of 4 stars). 4 submissions from 4 submitters: Uncertain significance (3). 1 of the submissions does not count toward it. Last evaluated 2026-03-03.

Conditions:
Inborn genetic diseases. Identifiers: MedGen C0950123, MeSH D030342.
Ellis-van Creveld syndrome (EVC). Also called: Chondroectodermal dysplasia; MESOECTODERMAL DYSPLASIA. Identifiers: Orphanet 289, MedGen C0013903, MONDO:0009162, OMIM 225500.
Curry-Hall syndrome (WAD). Also called: WEYERS ACRODENTAL DYSOSTOSIS. Identifiers: Orphanet 952, MedGen C0457013, MONDO:0008673, OMIM 193530.
EVC-related disorder. Also called: EVC-related condition; EVC-related disorders.

Allele frequency attached by ClinVar (database versions not stated): gnomAD 0.00009 and 0.00008; ExAC 0.00020; TOPMed 0.00014.

Submissions (4):

Ambry Genetics
Classification: Uncertain significance for Inborn genetic diseases. Last evaluated: 2026-03-03. Review status: criteria provided, single submitter. Criteria: Ambry Variant Classification Scheme 2023. Collection method: clinical testing. Allele origin: germline.
Comment: The c.2126G>A (p.R709Q) alteration is located in exon 15 (coding exon 15) of the EVC gene. This alteration results from a G to A substitution at nucleotide position 2126, causing the arginine (R) at amino acid position 709 to be replaced by a glutamine (Q). Based on data from gnomAD, the A allele has an overall frequency of 0.013% (30/224520) total alleles studied. The highest observed frequency was 0.145% (23/15824) of East Asian alleles. Based on insufficient or conflicting evidence, the clinical significance of this alteration remains unclear.

Labcorp Genetics (formerly Invitae), Labcorp
Classification: Uncertain significance for Curry-Hall syndrome; Ellis-van Creveld syndrome. Last evaluated: 2022-05-05. Review status: criteria provided, single submitter. Criteria: Invitae Variant Classification Sherloc (09022015). Collection method: clinical testing. Allele origin: germline.
Comment: This sequence change replaces arginine, which is basic and polar, with glutamine, which is neutral and polar, at codon 709 of the EVC protein (p.Arg709Gln). This variant is present in population databases (rs752020764, gnomAD 0.1%). This variant has not been reported in the literature in individuals affected with EVC-related conditions. ClinVar contains an entry for this variant (Variation ID: 904458). Algorithms developed to predict the effect of missense changes on protein structure and function are either unavailable or do not agree on the potential impact of this missense change (SIFT: "Deleterious"; PolyPhen-2: "Benign"; Align-GVGD: "Class C0"). In summary, the available evidence is currently insufficient to determine the role of this variant in disease. Therefore, it has been classified as a Variant of Uncertain Significance.

Illumina Laboratory Services, Illumina
Classification: Uncertain significance for Ellis-van Creveld syndrome. Last evaluated: 2018-01-12. Review status: criteria provided, single submitter. Criteria: ICSL Variant Classification Criteria 13 December 2019. Collection method: clinical testing. Allele origin: germline.

PreventionGenetics, part of Exact Sciences
Classification: Uncertain significance for EVC-related condition. Last evaluated: 2024-05-16. Review status: no assertion criteria provided. Collection method: clinical testing. Allele origin: germline. Not counted in ClinVar's aggregate classification.
Comment: The EVC c.2126G>A variant is predicted to result in the amino acid substitution p.Arg709Gln. To our knowledge, this variant has not been reported in the literature. This variant is reported in 0.15% of alleles in individuals of East Asian descent in gnomAD. Although we suspect that this variant may be benign, at this time, the clinical significance of this variant is uncertain due to the absence of conclusive functional and genetic evidence.

NM_153717.3(EVC):c.2126G>A (p.Arg709Gln)

Gene: EVC (EvC ciliary complex subunit 1; plus strand). Cytogenetic location: 4p16.2.
Variant type: single nucleotide variant.
Coding change: c.2126G>A on transcript NM_153717.3 (MANE Select); coding-DNA position 2126, G replaced by A.
Protein change: p.Arg709Gln; replaces arginine 709 with glutamine.
Molecular consequence: missense variant.
Genome position (GRCh38, 1-based): chr4:5,798,614, G>A. VCF-style: chr4-5798614-G-A. GRCh37 (hg19) VCF-style: chr4-5800341-G-A.
Other names: c.2126G>A, p.Arg709Gln (NM_001306090.2); short protein forms R709Q.
Identifiers: ClinVar variation 904458 (VCV000904458.8), dbSNP rs752020764, ClinGen allele CA2836398.